The following is an entry in ClinVar:

NM_177550.5(SLC13A5):c.839+4A>C

Gene: SLC13A5 (solute carrier family 13 member 5; minus strand). Cytogenetic location: 17p13.1.
Variant type: single nucleotide variant.
Coding change: c.839+4A>C on transcript NM_177550.5 (MANE Select); 4 bases into the intron after coding-DNA position 839, A replaced by C.
Molecular consequence: intron variant.
Genome position (GRCh38, 1-based): chr17:6,701,000, T>G on the plus strand (A>C on the coding strand, the complement: SLC13A5 is on the minus strand). VCF-style: chr17-6701000-T-G. GRCh37 (hg19) VCF-style: chr17-6604319-T-G.
Other names: c.710+4A>C (NM_001284510.2); c.788+4A>C (NM_001284509.2); c.839+4A>C (NM_001143838.3).
Identifiers: ClinVar variation 1475814 (VCV001475814.6), dbSNP rs1973697168, ClinGen allele CA2245456812.

ClinVar aggregate classification (germline): Uncertain significance (1 of 4 stars; one submission).

Conditions:
Developmental and epileptic encephalopathy, 25 (DEE25). Also called: Epileptic encephalopathy, early infantile, 25; Developmental and epileptic encephalopathy 25, with amelogenesis imperfecta; Epileptic encephalopathy, early infantile, 25, with amelogenesis imperfecta. Identifiers: Orphanet 442835, MedGen C4014621, MONDO:0014392, OMIM 615905.

Submission:

Labcorp Genetics (formerly Invitae), Labcorp
Classification: Uncertain significance for Developmental and epileptic encephalopathy, 25. Last evaluated: 2022-03-19. Review status: criteria provided, single submitter. Criteria: Invitae Variant Classification Sherloc (09022015). Collection method: clinical testing. Allele origin: germline.
Comment: In summary, the available evidence is currently insufficient to determine the role of this variant in disease. Therefore, it has been classified as a Variant of Uncertain Significance. Variants that disrupt the consensus splice site are a relatively common cause of aberrant splicing (PMID: 17576681, 9536098). Algorithms developed to predict the effect of sequence changes on RNA splicing suggest that this variant is not likely to affect RNA splicing. This variant has not been reported in the literature in individuals affected with SLC13A5-related conditions. This variant is not present in population databases (gnomAD no frequency). This sequence change falls in intron 6 of the SLC13A5 gene. It does not directly change the encoded amino acid sequence of the SLC13A5 protein. It affects a nucleotide within the consensus splice site.

Literature cited by the submitters: PubMed 17576681; PubMed 9536098.